The following is an entry in ClinVar:

ClinVar aggregate classification (germline): Uncertain significance (1 of 4 stars; one submission).

Submission:

Labcorp Genetics (formerly Invitae), Labcorp
Classification: Uncertain significance. Last evaluated: 2022-10-13. Review status: criteria provided, single submitter. Criteria: Invitae Variant Classification Sherloc (09022015). Collection method: clinical testing. Allele origin: germline.
Comment: In summary, the available evidence is currently insufficient to determine the role of this variant in disease. Therefore, it has been classified as a Variant of Uncertain Significance. Advanced modeling of protein sequence and biophysical properties (such as structural, functional, and spatial information, amino acid conservation, physicochemical variation, residue mobility, and thermodynamic stability) performed at Invitae indicates that this missense variant is not expected to disrupt RPSA protein function. This variant has not been reported in the literature in individuals affected with RPSA-related conditions. This variant is not present in population databases (gnomAD no frequency). This sequence change replaces tyrosine, which is neutral and polar, with serine, which is neutral and polar, at codon 156 of the RPSA protein (p.Tyr156Ser).

NM_002295.6(RPSA):c.467A>C (p.Tyr156Ser)

Gene: RPSA (ribosomal protein SA; plus strand). Cytogenetic location: 3p22.1.
Variant type: single nucleotide variant.
Coding change: c.467A>C on transcript NM_002295.6 (MANE Select); coding-DNA position 467, A replaced by C.
Protein change: p.Tyr156Ser; replaces tyrosine 156 with serine.
Molecular consequence: missense variant.
Genome position (GRCh38, 1-based): chr3:39,410,968, A>C. VCF-style: chr3-39410968-A-C. GRCh37 (hg19) VCF-style: chr3-39452459-A-C.
Other names: c.467A>C, p.Tyr156Ser (NM_001012321.1); c.482A>C, p.Tyr161Ser (NM_001304288.2); short protein forms Y156S, Y161S.
Identifiers: ClinVar variation 1721559 (VCV001721559.5), dbSNP rs151047013, ClinGen allele CA352213457.
Genomic context (GRCh38, chr3:39,410,968, plus strand): 5'-AGGCATCTTATGTTAACCTACCTACCATTGCGCTGTGTAACACAGATTCTCCTCTGCGCT[A>C]TGTGGACATTGCCATCCCATGCAACAACAAGGTAATGATTTTAGGATCTAGAGTTTGTGA-3'
Protein context (NP_002286.2, residues 146-166): ALCNTDSPLR[Tyr156Ser]VDIAIPCNNK